The following is an entry in ClinVar:

NM_002875.5(RAD51):c.108C>A (p.Asn36Lys)

Gene: RAD51 (RAD51 recombinase; plus strand). Cytogenetic location: 15q15.1.
Variant type: single nucleotide variant.
Coding change: c.108C>A on transcript NM_002875.5 (MANE Select); coding-DNA position 108, C replaced by A.
Protein change: p.Asn36Lys; replaces asparagine 36 with lysine.
Molecular consequence: missense variant.
Genome position (GRCh38, 1-based): chr15:40,701,084, C>A. VCF-style: chr15-40701084-C-A. GRCh37 (hg19) VCF-style: chr15-40993282-C-A.
Other names: c.108C>A, p.Asn36Lys (NM_001164269.2, NM_001164270.2, NM_133487.4); short protein forms N36K.
Identifiers: ClinVar variation 4055948 (VCV004055948.1).

ClinVar aggregate classification (germline): Uncertain significance (1 of 4 stars; one submission).

Submission:

GeneDx
Classification: Uncertain significance. Last evaluated: 2025-01-03. Review status: criteria provided, single submitter. Criteria: GeneDx Variant Classification Process June 2021. Collection method: clinical testing. Allele origin: germline. Affected: yes.
Comment: Not observed at significant frequency in large population cohorts (gnomAD); In silico analysis indicates that this missense variant does not alter protein structure/function; Has not been previously published as pathogenic or benign to our knowledge